The following is an entry in ClinVar:

NM_004336.5(BUB1):c.1088C>G (p.Pro363Arg)

Gene: BUB1 (BUB1 mitotic checkpoint serine/threonine kinase; minus strand). Cytogenetic location: 2q13.
Variant type: single nucleotide variant.
Coding change: c.1088C>G on transcript NM_004336.5 (MANE Select); coding-DNA position 1088, C replaced by G.
Protein change: p.Pro363Arg; replaces proline 363 with arginine.
Molecular consequence: missense variant.
Genome position (GRCh38, 1-based): chr2:110,661,711, G>C on the plus strand (C>G on the coding strand, the complement: BUB1 is on the minus strand). VCF-style: chr2-110661711-G-C. GRCh37 (hg19) VCF-style: chr2-111419288-G-C.
Other names: c.1028C>G, p.Pro343Arg (NM_001278616.2); c.1088C>G, p.Pro363Arg (NM_001278617.2); short protein forms P363R, P343R.
Identifiers: ClinVar variation 1788179 (VCV001788179.2), dbSNP rs927018399, ClinGen allele CA53536540.

ClinVar aggregate classification (germline): Uncertain significance (1 of 4 stars; one submission).

Allele frequency attached by ClinVar (database versions not stated): TOPMed 0.00002.
gnomAD v4.1: 4 of 1,614,094 alleles (0.00025%); highest among the groups gnomAD compares: African/African-American, 0.0027%; no homozygotes.

Submission:

Ambry Genetics
Classification: Uncertain significance. Last evaluated: 2024-01-24. Review status: criteria provided, single submitter. Criteria: Ambry Variant Classification Scheme 2023. Collection method: clinical testing. Allele origin: germline.
Comment: The p.P363R variant (also known as c.1088C>G), located in coding exon 10 of the BUB1 gene, results from a C to G substitution at nucleotide position 1088. The proline at codon 363 is replaced by arginine, an amino acid with dissimilar properties. This amino acid position is conserved. In addition, this alteration is predicted to be tolerated by in silico analysis. Since supporting evidence is limited at this time, the clinical significance of this alteration remains unclear.